The following is an entry in ClinVar:

ClinVar aggregate classification (germline): Uncertain significance (1 of 4 stars; one submission).

Conditions:
Ullrich congenital muscular dystrophy 2 (UCMD2). Identifiers: Orphanet 75840, MedGen C4225314, MONDO:0014654, OMIM 616470.
Bethlem myopathy 2 (BTHLM2). Identifiers: Orphanet 536516, Orphanet 610, MedGen C4225313, MONDO:0034022, OMIM 616471.

Submission:

Labcorp Genetics (formerly Invitae), Labcorp
Classification: Uncertain significance for Bethlem myopathy 2; Ullrich congenital muscular dystrophy 2. Last evaluated: 2024-07-22. Review status: criteria provided, single submitter. Criteria: Invitae Variant Classification Sherloc (09022015). Collection method: clinical testing. Allele origin: germline.
Comment: This sequence change replaces glycine, which is neutral and non-polar, with serine, which is neutral and polar, at codon 2777 of the COL12A1 protein (p.Gly2777Ser). This variant is not present in population databases (gnomAD no frequency). This variant has not been reported in the literature in individuals affected with COL12A1-related conditions. Advanced modeling of protein sequence and biophysical properties (such as structural, functional, and spatial information, amino acid conservation, physicochemical variation, residue mobility, and thermodynamic stability) performed at Invitae indicates that this missense variant is not expected to disrupt COL12A1 protein function with a negative predictive value of 80%. In summary, the available evidence is currently insufficient to determine the role of this variant in disease. Therefore, it has been classified as a Variant of Uncertain Significance.

NM_004370.6(COL12A1):c.8329G>A (p.Gly2777Ser)

Gene: COL12A1 (collagen type XII alpha 1 chain; minus strand). Cytogenetic location: 6q13.
Variant type: single nucleotide variant.
Coding change: c.8329G>A on transcript NM_004370.6 (MANE Select); coding-DNA position 8329, G replaced by A.
Protein change: p.Gly2777Ser; replaces glycine 2777 with serine.
Molecular consequence: missense variant.
Genome position (GRCh38, 1-based): chr6:75,102,683, C>T on the plus strand (G>A on the coding strand, the complement: COL12A1 is on the minus strand). VCF-style: chr6-75102683-C-T. GRCh37 (hg19) VCF-style: chr6-75812399-C-T.
Other names: c.8329G>A, p.Gly2777Ser (NM_001424113.1); c.8308G>A, p.Gly2770Ser (NM_001424114.1); c.8056G>A, p.Gly2686Ser (NM_001424115.1); c.4837G>A, p.Gly1613Ser (NM_001424116.1, NM_080645.3); short protein forms G1613S, G2686S, G2770S, G2777S.
Identifiers: ClinVar variation 3761985 (VCV003761985.2).